The following is an entry in ClinVar:

NM_020163.3(SEMA3G):c.414C>T (p.Ala138=)

Gene: SEMA3G (semaphorin 3G; minus strand). Cytogenetic location: 3p21.1.
Variant type: single nucleotide variant.
Coding change: c.414C>T on transcript NM_020163.3 (MANE Select); coding-DNA position 414, C replaced by T.
Protein change: p.Ala138=; no amino-acid change (alanine 138 retained).
Molecular consequence: synonymous variant.
Genome position (GRCh38, 1-based): chr3:52,442,230, G>A on the plus strand (C>T on the coding strand, the complement: SEMA3G is on the minus strand). VCF-style: chr3-52442230-G-A. GRCh37 (hg19) VCF-style: chr3-52476246-G-A.
Identifiers: ClinVar variation 3056861 (VCV003056861.2), dbSNP rs34900551, ClinGen allele CA2438348.

ClinVar aggregate classification (germline): Benign (0 of 4 stars; one submission).

Conditions:
SEMA3G-related disorder. Also called: SEMA3G-related condition.

Allele frequency attached by ClinVar (database versions not stated): 1000 Genomes Project 30x 0.00937; 1000 Genomes Project 0.00978; TOPMed 0.02383; ESP Exome Variant Server 0.02768; gnomAD 0.02788; ExAC 0.02790; gnomAD exomes 0.03683.
gnomAD v4.1: 57,789 of 1,613,848 alleles (3.6%); highest among the groups gnomAD compares: Non-Finnish European, 4.1%; 1,261 homozygotes.

Submission:

PreventionGenetics, part of Exact Sciences
Classification: Benign for SEMA3G-related condition. Last evaluated: 2022-04-11. Review status: no assertion criteria provided. Collection method: clinical testing. Allele origin: germline.
Comment: This variant is classified as benign based on ACMG/AMP sequence variant interpretation guidelines (Richards et al. 2015 PMID: 25741868, with internal and published modifications).